The following is an entry in ClinVar:

ClinVar aggregate classification (germline): Conflicting classifications of pathogenicity. Review status: criteria provided, conflicting classifications (1 of 4 stars). 5 submissions from 5 submitters: Uncertain significance (3); Likely benign (1). 1 of the submissions does not count toward it. Last evaluated 2025-01-10.

Conditions:
FTL-related disorder. Also called: FTL-related condition.
Hereditary hyperferritinemia with congenital cataracts. Also called: Hereditary hyperferritinemia cataract syndrome; Bonneau-Beaumont syndrome; HYPERFERRITINEMIA WITH OR WITHOUT CATARACT. Identifiers: Orphanet 163, MedGen C1833213, MONDO:0010952, OMIM 600886.
Neuroferritinopathy (NBIA3). Also called: NEURODEGENERATION WITH BRAIN IRON ACCUMULATION 3; BASAL GANGLIA DISEASE, ADULT-ONSET. Identifiers: Orphanet 157846, MedGen C1853578, MONDO:0011638, OMIM 606159.
Inborn genetic diseases. Identifiers: MedGen C0950123, MeSH D030342.

Allele frequency attached by ClinVar (database versions not stated): 1000 Genomes Project 30x 0.00016; 1000 Genomes Project 0.00020; gnomAD exomes 0.00003; ExAC 0.00004; TOPMed 0.00005; gnomAD 0.00006.
gnomAD v4.1: 238 of 1,614,184 alleles (0.015%); highest among the groups gnomAD compares: Non-Finnish European, 0.02%; no homozygotes.

Submissions (5):

PreventionGenetics, part of Exact Sciences
Classification: Uncertain significance for FTL-related condition. Last evaluated: 2025-01-10. Review status: criteria provided, single submitter. Criteria: ACMG Guidelines, 2015. Collection method: clinical testing. Allele origin: germline.
Comment: The FTL c.155T>G variant is predicted to result in the amino acid substitution p.Phe52Cys. To our knowledge, this variant has not been reported in the literature. This variant is reported in 0.0077% of alleles in individuals of European (Non-Finnish) descent in gnomAD. At this time, the clinical significance of this variant is uncertain due to the absence of conclusive functional and genetic evidence.

Blueprint Genetics
Classification: Uncertain significance. Last evaluated: 2024-08-19. Review status: criteria provided, single submitter. Criteria: ACMG Guidelines, 2015. Collection method: clinical testing. Allele origin: germline.

Labcorp Genetics (formerly Invitae), Labcorp
Classification: Uncertain significance for Neuroferritinopathy; Hereditary hyperferritinemia with congenital cataracts. Last evaluated: 2024-08-15. Review status: criteria provided, single submitter. Criteria: Invitae Variant Classification Sherloc (09022015). Collection method: clinical testing. Allele origin: germline.
Comment: This sequence change replaces phenylalanine, which is neutral and non-polar, with cysteine, which is neutral and slightly polar, at codon 52 of the FTL protein (p.Phe52Cys). This variant is present in population databases (rs543242420, gnomAD 0.008%). This variant has not been reported in the literature in individuals affected with FTL-related conditions. ClinVar contains an entry for this variant (Variation ID: 1049905). An algorithm developed to predict the effect of missense changes on protein structure and function (PolyPhen-2) suggests that this variant is likely to be disruptive. In summary, the available evidence is currently insufficient to determine the role of this variant in disease. Therefore, it has been classified as a Variant of Uncertain Significance.

Ambry Genetics
Classification: Likely benign for Inborn genetic diseases. Last evaluated: 2022-04-08. Review status: criteria provided, single submitter. Criteria: Ambry Variant Classification Scheme 2023. Collection method: clinical testing. Allele origin: germline.

Department of Pathology and Laboratory Medicine, Sinai Health System
Classification: Uncertain significance. Review status: no assertion criteria provided. Collection method: clinical testing. Allele origin: unknown. Affected: yes. Study: The Canadian Open Genetics Repository (COGR). Not counted in ClinVar's aggregate classification.
Comment: The FTL p.Phe52Cys variant was not identified in the literature nor was it identified in ClinVar or LOVD 3.0. The variant was identified in dbSNP (ID: rs543242420) and in control databases in 10 of 282810 chromosomes at a frequency of 0.000035 (Genome Aggregation Database Feb 27, 2017). The variant was observed in the European (non-Finnish) population in 10 of 129144 chromosomes (freq: 0.000077), but was not observed in the African, Latino, Ashkenazi Jewish, East Asian, European (Finnish), Other or South Asian populations. Although the p.Phe52 residue is not conserved in mammals and other organisms, computational analyses (PolyPhen-2, SIFT, AlignGVGD, BLOSUM, MutationTaster) suggest that the variant may impact the protein. The variant occurs outside of the splicing consensus sequence and in silico or computational prediction software programs (SpliceSiteFinder, MaxEntScan, NNSPLICE, GeneSplicer) do not predict a difference in splicing. In summary, based on the above information the clinical significance of this variant cannot be determined with certainty at this time. This variant is classified as a variant of uncertain significance.

NM_000146.4(FTL):c.155T>G (p.Phe52Cys)

Gene: FTL (ferritin light chain; plus strand). Cytogenetic location: 19q13.33.
Variant type: single nucleotide variant.
Coding change: c.155T>G on transcript NM_000146.4 (MANE Select); coding-DNA position 155, T replaced by G.
Protein change: p.Phe52Cys; replaces phenylalanine 52 with cysteine.
Molecular consequence: missense variant.
Genome position (GRCh38, 1-based): chr19:48,965,822, T>G. VCF-style: chr19-48965822-T-G. GRCh37 (hg19) VCF-style: chr19-49469079-T-G.
Other names: c.155T>G (NM_000146.3); short protein forms F52C.
Identifiers: ClinVar variation 1049905 (VCV001049905.12), dbSNP rs543242420, ClinGen allele CA9562458.
Genomic context (GRCh38, chr19:48,965,822, plus strand): 5'-TCCCGTAGGGCTTCTATTTCGACCGCGATGATGTGGCTCTGGAAGGCGTGAGCCACTTCT[T>G]CCGCGAATTGGCCGAGGAGAAGCGCGAGGGCTACGAGCGTCTCCTGAAGATGCAAAACCA-3'
Protein context (NP_000137.2, residues 42-62): DVALEGVSHF[Phe52Cys]RELAEEKREG